The following is an entry in ClinVar:

NM_001164665.2(KIAA1549):c.929C>T (p.Pro310Leu)

Gene: KIAA1549 (KIAA1549; minus strand). Cytogenetic location: 7q34.
Variant type: single nucleotide variant.
Coding change: c.929C>T on transcript NM_001164665.2 (MANE Select); coding-DNA position 929, C replaced by T.
Protein change: p.Pro310Leu; replaces proline 310 with leucine.
Molecular consequence: missense variant.
Genome position (GRCh38, 1-based): chr7:138,918,697, G>A on the plus strand (C>T on the coding strand, the complement: KIAA1549 is on the minus strand). VCF-style: chr7-138918697-G-A. GRCh37 (hg19) VCF-style: chr7-138603443-G-A.
Other names: c.929C>T, p.Pro310Leu (NM_020910.3); short protein forms P310L.
Identifiers: ClinVar variation 2015200 (VCV002015200.5), dbSNP rs2485560493, ClinGen allele CA369401265.
Genomic context (GRCh38, chr7:138,918,697, plus strand): 5'-CTCAACACAGTGGTCACATCAGTGTATCTGTCTGCACTTGTGGCCCAAACCTCCTCTGGA[G>A]GCTGTGAGACCTCCCCCAAGGAGGGCAACGGTATAGTAATGCCGTCGCCTAACGGCTGTG-3'
Protein context (NP_001158137.1, residues 300-320): PLPSLGEVSQ[Pro310Leu]PEEVWATSAD

ClinVar aggregate classification (germline): Uncertain significance. Review status: criteria provided, multiple submitters, no conflicts (2 of 4 stars). 2 submissions from 2 submitters: Uncertain significance (2). Last evaluated 2022-10-05.

Submissions (2):

Labcorp Genetics (formerly Invitae), Labcorp
Classification: Uncertain significance. Last evaluated: 2022-10-05. Review status: criteria provided, single submitter. Criteria: Invitae Variant Classification Sherloc (09022015). Collection method: clinical testing. Allele origin: germline.
Comment: In summary, the available evidence is currently insufficient to determine the role of this variant in disease. Therefore, it has been classified as a Variant of Uncertain Significance. Algorithms developed to predict the effect of missense changes on protein structure and function output the following: SIFT: "Deleterious"; PolyPhen-2: "Benign"; Align-GVGD: "Class C0". The leucine amino acid residue is found in multiple mammalian species, which suggests that this missense change does not adversely affect protein function. This variant has not been reported in the literature in individuals affected with KIAA1549-related conditions. This variant is not present in population databases (gnomAD no frequency). This sequence change replaces proline, which is neutral and non-polar, with leucine, which is neutral and non-polar, at codon 310 of the KIAA1549 protein (p.Pro310Leu).

Blueprint Genetics
Classification: Uncertain significance. Last evaluated: 2020-10-13. Review status: criteria provided, single submitter. Criteria: ACMG Guidelines, 2015. Collection method: clinical testing. Allele origin: germline.